The following is an entry in ClinVar:

ClinVar aggregate classification (germline): Uncertain significance. Review status: criteria provided, multiple submitters, no conflicts (2 of 4 stars). 2 submissions from 2 submitters: Uncertain significance (2). Last evaluated 2026-08-24.

Conditions:
Hereditary cancer-predisposing syndrome. Also called: Hereditary Cancer Syndrome; Tumor predisposition; Neoplastic Syndromes, Hereditary; Hereditary neoplastic syndrome. Identifiers: Orphanet 140162, MedGen C0027672, MeSH D009386, MONDO:0015356.

Allele frequency attached by ClinVar (database versions not stated): gnomAD exomes below 0.00001.

Submissions (2):

Ambry Genetics
Classification: Uncertain significance for Hereditary cancer-predisposing syndrome. Last evaluated: 2026-08-24. Review status: criteria provided, single submitter. Criteria: Ambry Variant Classification Scheme 2023. Collection method: clinical testing. Allele origin: germline.
Comment: The p.L1684F variant (also known as c.5050C>T), located in coding exon 38 of the POLE gene, results from a C to T substitution at nucleotide position 5050. The leucine at codon 1684 is replaced by phenylalanine, an amino acid with highly similar properties. This amino acid position is conserved. In addition, the in silico prediction for this alteration is inconclusive. Based on the available evidence, the clinical significance of this variant remains unclear.

Labcorp Genetics (formerly Invitae), Labcorp
Classification: Uncertain significance. Last evaluated: 2021-10-10. Review status: criteria provided, single submitter. Criteria: Invitae Variant Classification Sherloc (09022015). Collection method: clinical testing. Allele origin: germline.
Comment: This sequence change replaces leucine with phenylalanine at codon 1684 of the POLE protein (p.Leu1684Phe). The leucine residue is highly conserved and there is a small physicochemical difference between leucine and phenylalanine. This variant is not present in population databases (ExAC no frequency). This variant has not been reported in the literature in individuals affected with POLE-related conditions. Algorithms developed to predict the effect of missense changes on protein structure and function are either unavailable or do not agree on the potential impact of this missense change (SIFT: "Deleterious"; PolyPhen-2: "Probably Damaging"; Align-GVGD: "Class C15"). In summary, the available evidence is currently insufficient to determine the role of this variant in disease. Therefore, it has been classified as a Variant of Uncertain Significance.

NM_006231.4(POLE):c.5050C>T (p.Leu1684Phe)

Gene: POLE (DNA polymerase epsilon, catalytic subunit; minus strand). Cytogenetic location: 12q24.33.
Variant type: single nucleotide variant.
Coding change: c.5050C>T on transcript NM_006231.4 (MANE Select); coding-DNA position 5050, C replaced by T.
Protein change: p.Leu1684Phe; replaces leucine 1684 with phenylalanine.
Molecular consequence: missense variant.
Genome position (GRCh38, 1-based): chr12:132,642,300, G>A on the plus strand (C>T on the coding strand, the complement: POLE is on the minus strand). VCF-style: chr12-132642300-G-A. GRCh37 (hg19) VCF-style: chr12-133218886-G-A.
Other names: c.5050C>T (NM_006231.2); short protein forms L1684F.
Identifiers: ClinVar variation 1473250 (VCV001473250.7), dbSNP rs2138530635, ClinGen allele CA387377154.